The following is an entry in ClinVar:

ClinVar aggregate classification (germline): Uncertain significance (1 of 4 stars; one submission).

Conditions:
Catecholaminergic polymorphic ventricular tachycardia 1. Also called: VENTRICULAR TACHYCARDIA, CATECHOLAMINERGIC POLYMORPHIC, 1, WITH OR WITHOUT ATRIAL DYSFUNCTION AND/OR DILATED CARDIOMYOPATHY; RYR2-Related Catecholaminergic Polymorphic Ventricular Tachycardia; VENTRICULAR TACHYCARDIA, STRESS-INDUCED POLYMORPHIC 1. Identifiers: Orphanet 3286, MedGen C1631597, MONDO:0011484, OMIM 604772.

Submission:

Labcorp Genetics (formerly Invitae), Labcorp
Classification: Uncertain significance for Catecholaminergic polymorphic ventricular tachycardia 1. Last evaluated: 2026-01-06. Review status: criteria provided, single submitter. Criteria: Invitae Variant Classification Sherloc (09022015). Collection method: clinical testing. Allele origin: germline.
Comment: This sequence change falls in intron 65 of the RYR2 gene. It does not directly change the encoded amino acid sequence of the RYR2 protein. It affects a nucleotide within the consensus splice site. This variant is not present in population databases (gnomAD no frequency). This variant has not been reported in the literature in individuals affected with RYR2-related conditions. Variants that disrupt the consensus splice site are a relatively common cause of aberrant splicing (PMID: 17576681, 9536098). Algorithms developed to predict the effect of sequence changes on RNA splicing suggest that this variant may disrupt the consensus splice site. In summary, the available evidence is currently insufficient to determine the role of this variant in disease. Therefore, it has been classified as a Variant of Uncertain Significance.

Literature cited by the submitters: PubMed 17576681; PubMed 9536098.

NM_001035.3(RYR2):c.9367+4T>G

Gene: RYR2 (ryanodine receptor 2; plus strand). Cytogenetic location: 1q43.
Variant type: single nucleotide variant.
Coding change: c.9367+4T>G on transcript NM_001035.3 (MANE Select); 4 bases into the intron after coding-DNA position 9367, T replaced by G.
Molecular consequence: intron variant.
Genome position (GRCh38, 1-based): chr1:237,700,471, T>G. VCF-style: chr1-237700471-T-G. GRCh37 (hg19) VCF-style: chr1-237863771-T-G.
Identifiers: ClinVar variation 4734496 (VCV004734496.1).